The following is an entry in ClinVar:

NM_004036.5(ADCY3):c.1048C>T (p.Arg350Cys)

Gene: ADCY3 (adenylate cyclase 3; minus strand). Cytogenetic location: 2p23.3.
Variant type: single nucleotide variant.
Coding change: c.1048C>T on transcript NM_004036.5 (MANE Select); coding-DNA position 1048, C replaced by T.
Protein change: p.Arg350Cys; replaces arginine 350 with cysteine.
Molecular consequence: missense variant.
Genome position (GRCh38, 1-based): chr2:24,841,576, G>A on the plus strand (C>T on the coding strand, the complement: ADCY3 is on the minus strand). VCF-style: chr2-24841576-G-A. GRCh37 (hg19) VCF-style: chr2-25064445-G-A.
Other names: c.1048C>T, p.Arg350Cys (NM_001320613.2, NM_001377128.1, NM_001377129.1 and 2 more transcripts); c.325C>T, p.Arg109Cys (NM_001377131.1); short protein forms R109C, R350C.
Identifiers: ClinVar variation 3357023 (VCV003357023.3).
Genomic context (GRCh38, chr2:24,841,576, plus strand): 5'-GCAGGCCCCGCTGGAGAGCCAGGCGGGGCCAGGGACTTACAGCTGCCAGCTTGTCAAAGC[G>A]GGCAAAGAGCTCGTTGAGCAGCTTCACAAGCTCCTGGGCACTGCAGGCAGAAGACAGCTG-3'
Protein context (NP_004027.2, residues 340-360): LVKLLNELFA[Arg350Cys]FDKLAAKYHQ

ClinVar aggregate classification (germline): Uncertain significance. Review status: criteria provided, multiple submitters, no conflicts (2 of 4 stars). 2 submissions from 2 submitters: Uncertain significance (2). Last evaluated 2026-02-17.

Conditions:
ADCY3-related disorder. Also called: ADCY3-related condition.

gnomAD v4.1: 8 of 1,613,090 alleles (0.0005%); highest among the groups gnomAD compares: South Asian, 0.0022%; no homozygotes.

Submissions (2):

PreventionGenetics, part of Exact Sciences
Classification: Uncertain significance for ADCY3-related condition. Last evaluated: 2026-02-17. Review status: criteria provided, single submitter. Criteria: ACMG Guidelines, 2015. Collection method: clinical testing. Allele origin: germline.
Comment: The ADCY3 c.1048C>T variant is predicted to result in the amino acid substitution p.Arg350Cys. To our knowledge, this variant has not been reported in the literature. This variant is reported in 0.00089% of alleles in individuals of European (Non-Finnish) descent in gnomAD. At this time, the clinical significance of this variant is uncertain due to the absence of conclusive functional and genetic evidence.

Blueprint Genetics
Classification: Uncertain significance. Last evaluated: 2019-05-10. Review status: criteria provided, single submitter. Criteria: ACMG Guidelines, 2015. Collection method: clinical testing. Allele origin: germline.